The following is an entry in ClinVar:

NM_007215.4(POLG2):c.1031G>A (p.Arg344Gln)

Genes: MILR1 (mast cell immunoglobulin like receptor 1; plus strand), POLG2 (DNA polymerase gamma 2, accessory subunit; minus strand). Cytogenetic location: 17q23.3.
Variant type: single nucleotide variant.
Coding change: c.1031G>A on transcript NM_007215.4 (MANE Select); coding-DNA position 1031, G replaced by A.
Protein change: p.Arg344Gln; replaces arginine 344 with glutamine.
Molecular consequence: missense variant.
Genome position (GRCh38, 1-based): chr17:64,485,807, C>T on the plus strand (G>A on the coding strand, the complement: POLG2 is on the minus strand). VCF-style: chr17-64485807-C-T. GRCh37 (hg19) VCF-style: chr17-62481924-C-T.
Other names: short protein forms R344Q.
Identifiers: ClinVar variation 1341911 (VCV001341911.5), dbSNP rs994126357, ClinGen allele CA293011247.

ClinVar aggregate classification (germline): Uncertain significance. Review status: criteria provided, multiple submitters, no conflicts (2 of 4 stars). 3 submissions from 3 submitters: Uncertain significance (3). Last evaluated 2025-08-24.

Conditions:
Mitochondrial DNA depletion syndrome 16 (hepatic type). Identifiers: MedGen C5193142, MONDO:0032799, OMIM 618528.

Allele frequency attached by ClinVar (database versions not stated): TOPMed 0.00002; gnomAD 0.00001; gnomAD exomes 0.00001.
gnomAD v4.1: 15 of 1,612,932 alleles (0.00093%); highest among the groups gnomAD compares: Middle Eastern, 0.033%; no homozygotes.

Submissions (3):

Labcorp Genetics (formerly Invitae), Labcorp
Classification: Uncertain significance. Last evaluated: 2025-08-24. Review status: criteria provided, single submitter. Criteria: Invitae Variant Classification Sherloc (09022015). Collection method: clinical testing. Allele origin: germline.
Comment: This sequence change replaces arginine, which is basic and polar, with glutamine, which is neutral and polar, at codon 344 of the POLG2 protein (p.Arg344Gln). This variant is present in population databases (no rsID available, gnomAD no frequency). This variant has not been reported in the literature in individuals affected with POLG2-related conditions. ClinVar contains an entry for this variant (Variation ID: 1341911). An algorithm developed to predict the effect of missense changes on protein structure and function outputs the following: PolyPhen-2: "Benign". The glutamine amino acid residue is found in multiple mammalian species, which suggests that this missense change does not adversely affect protein function. In summary, the available evidence is currently insufficient to determine the role of this variant in disease. Therefore, it has been classified as a Variant of Uncertain Significance.

New York Genome Center
Classification: Uncertain significance for Mitochondrial DNA depletion syndrome 16 (hepatic type). Last evaluated: 2020-06-04. Review status: criteria provided, single submitter. Criteria: NYGC Assertion Criteria 2020. Collection method: clinical testing. Allele origin: germline. Observed: 1 heterozygote. Study: CSER-NYCKidSeq.

Breakthrough Genomics
Classification: Uncertain significance. Review status: criteria provided, single submitter. Criteria: ACMG Guidelines, 2015. Collection method: not provided. Allele origin: germline. Inheritance: Autosomal recessive inheritance. Affected: yes.